The following is an entry in ClinVar:

ClinVar aggregate classification (germline): Likely benign. Review status: criteria provided, multiple submitters, no conflicts (2 of 4 stars). 2 submissions from 2 submitters: Likely benign (2). Last evaluated 2026-09-01.

Allele frequency attached by ClinVar (database versions not stated): ExAC 0.00001; gnomAD exomes 0.00002; gnomAD 0.00003; TOPMed 0.00003.
gnomAD v4.1: 30 of 1,562,122 alleles (0.0019%); highest among the groups gnomAD compares: East Asian, 0.0023%; no homozygotes.

Submissions (2):

CeGaT Center for Human Genetics Tuebingen
Classification: Likely benign. Last evaluated: 2026-09-01. Review status: criteria provided, single submitter. Criteria: CeGaT Center For Human Genetics Tuebingen Variant Classification Criteria Version 2. Collection method: clinical testing. Allele origin: germline. Affected: yes. Observed: 1 variant allele.
Comment: AHDC1: BP4, BP7

Labcorp Genetics (formerly Invitae), Labcorp
Classification: Likely benign. Last evaluated: 2023-05-06. Review status: criteria provided, single submitter. Criteria: Invitae Variant Classification Sherloc (09022015). Collection method: clinical testing. Allele origin: germline.

NM_001371928.1(AHDC1):c.3042C>T (p.Ser1014=)

Gene: AHDC1 (AT-hook DNA binding motif containing 1; minus strand). Cytogenetic location: 1p36.11.
Variant type: single nucleotide variant.
Coding change: c.3042C>T on transcript NM_001371928.1 (MANE Select); coding-DNA position 3042, C replaced by T.
Protein change: p.Ser1014=; no amino-acid change (serine 1014 retained).
Molecular consequence: synonymous variant.
Genome position (GRCh38, 1-based): chr1:27,549,074, G>A on the plus strand (C>T on the coding strand, the complement: AHDC1 is on the minus strand). VCF-style: chr1-27549074-G-A. GRCh37 (hg19) VCF-style: chr1-27875585-G-A.
Other names: c.3042C>T, p.Ser1014= (NM_001029882.3).
Identifiers: ClinVar variation 3015753 (VCV003015753.4), dbSNP rs755810147, ClinGen allele CA715641.
Genomic context (GRCh38, chr1:27,549,074, plus strand): 5'-CTTGCTTGGTGGCAGGCAGGGGCCCCCGGTAGGCGGTGGGGCATAGCCGGCGCTGTGGGC[G>A]CTGCTGGGTGAGGCAGGGAGGCTGTTGCCACTGCCATAGGCGAAGCTGCAGTCCTTGCTG-3'
Protein context (NP_001358857.1, residues 1004-1024): SGNSLPASPS[Ser1014=]AHSAGYAPPP